The following is an entry in ClinVar:

ClinVar aggregate classification (germline): Uncertain significance. Review status: criteria provided, multiple submitters, no conflicts (2 of 4 stars). 2 submissions from 2 submitters: Uncertain significance (2). Last evaluated 2025-08-19.

Conditions:
ADAMTS13-related disorder. Also called: ADAMTS13-related condition.
Inborn genetic diseases. Identifiers: MedGen C0950123, MeSH D030342.

gnomAD v4.1: 6 of 1,613,926 alleles (0.00037%); highest among the groups gnomAD compares: Admixed American, 0.0017%; no homozygotes.

Submissions (2):

PreventionGenetics, part of Exact Sciences
Classification: Uncertain significance for ADAMTS13-related condition. Last evaluated: 2025-08-19. Review status: criteria provided, single submitter. Criteria: ACMG Guidelines, 2015. Collection method: clinical testing. Allele origin: germline.
Comment: The ADAMTS13 c.1987G>A variant is predicted to result in the amino acid substitution p.Glu663Lys. To our knowledge, this variant has not been reported in the literature. This variant is reported in 0.0033% of alleles in individuals of South Asian descent in gnomAD. At this time, the clinical significance of this variant is uncertain due to the absence of conclusive functional and genetic evidence.

Ambry Genetics
Classification: Uncertain significance for Inborn genetic diseases. Last evaluated: 2025-05-19. Review status: criteria provided, single submitter. Criteria: Ambry Variant Classification Scheme 2023. Collection method: clinical testing. Allele origin: germline.

NM_139027.6(ADAMTS13):c.1987G>A (p.Glu663Lys)

Gene: ADAMTS13 (ADAM metallopeptidase with thrombospondin type 1 motif 13; plus strand). Cytogenetic location: 9q34.2.
Variant type: single nucleotide variant.
Coding change: c.1987G>A on transcript NM_139027.6 (MANE Select); coding-DNA position 1987, G replaced by A.
Protein change: p.Glu663Lys; replaces glutamic acid 663 with lysine.
Molecular consequence: missense variant.
Genome position (GRCh38, 1-based): chr9:133,442,417, G>A. VCF-style: chr9-133442417-G-A. GRCh37 (hg19) VCF-style: chr9-136307538-G-A.
Other names: c.1987G>A, p.Glu663Lys (NM_139025.5); c.1894G>A, p.Glu632Lys (NM_139026.6); short protein forms E632K, E663K.
Identifiers: ClinVar variation 4006620 (VCV004006620.2).
Genomic context (GRCh38, chr9:133,442,417, plus strand): 5'-CAGGGAACCCACTGGACAAGGCCTGAAGCTCTTTGTCTGCAGGTTTACAGGCGGTATGGC[G>A]AGGAGTATGGCAACCTCACCCGCCCAGACATCACCTTCACCTACTTCCAGCCTAAGCCAC-3'
Protein context (NP_620596.2, residues 653-673): ADIQVYRRYG[Glu663Lys]EYGNLTRPDI